The following is an entry in ClinVar:

ClinVar aggregate classification (germline): Likely pathogenic (1 of 4 stars; one submission).

Allele frequency attached by ClinVar (database versions not stated): gnomAD exomes below 0.00001.
gnomAD v4.1: 2 of 1,613,798 alleles (0.00012%); highest among the groups gnomAD compares: South Asian, 0.0022%; no homozygotes.

Submission:

Labcorp Genetics (formerly Invitae), Labcorp
Classification: Likely pathogenic. Last evaluated: 2022-02-03. Review status: criteria provided, single submitter. Criteria: Invitae Variant Classification Sherloc (09022015). Collection method: clinical testing. Allele origin: germline.
Comment: In summary, the currently available evidence indicates that the variant is pathogenic, but additional data are needed to prove that conclusively. Therefore, this variant has been classified as Likely Pathogenic. Algorithms developed to predict the effect of sequence changes on RNA splicing suggest that this variant may disrupt the consensus splice site. This variant has not been reported in the literature in individuals affected with TRAF3IP1-related conditions. This variant is not present in population databases (gnomAD no frequency). This sequence change affects an acceptor splice site in intron 10 of the TRAF3IP1 gene. It is expected to disrupt RNA splicing. Variants that disrupt the donor or acceptor splice site typically lead to a loss of protein function (PMID: 16199547), and loss-of-function variants in TRAF3IP1 are known to be pathogenic (PMID: 21945076, 26487268, 29068549).

Literature cited by the submitters: PubMed 16199547; PubMed 21945076; PubMed 26487268; PubMed 29068549.

NM_015650.4(TRAF3IP1):c.1283-2A>T

Gene: TRAF3IP1 (TRAF3 interacting protein 1; plus strand). Cytogenetic location: 2q37.3.
Variant type: single nucleotide variant.
Coding change: c.1283-2A>T on transcript NM_015650.4 (MANE Select); the canonical splice acceptor site of the intron before coding-DNA position 1283, A replaced by T.
Molecular consequence: splice acceptor variant.
Genome position (GRCh38, 1-based): chr2:238,348,762, A>T. VCF-style: chr2-238348762-A-T. GRCh37 (hg19) VCF-style: chr2-239257403-A-T.
Other names: c.1085-2A>T (NM_001139490.1).
Identifiers: ClinVar variation 2092279 (VCV002092279.4), dbSNP rs2469686948, ClinGen allele CA351232013.